The following is an entry in ClinVar:

NM_005172.2(ATOH1):c.10C>A (p.Leu4Met)

Gene: ATOH1 (atonal bHLH transcription factor 1; plus strand). Cytogenetic location: 4q22.2.
Variant type: single nucleotide variant.
Coding change: c.10C>A on transcript NM_005172.2 (MANE Select); coding-DNA position 10, C replaced by A.
Protein change: p.Leu4Met; replaces leucine 4 with methionine.
Molecular consequence: missense variant.
Genome position (GRCh38, 1-based): chr4:93,828,936, C>A. VCF-style: chr4-93828936-C-A. GRCh37 (hg19) VCF-style: chr4-94750087-C-A.
Other names: short protein forms L4M.
Identifiers: ClinVar variation 3968099 (VCV003968099.2).

ClinVar aggregate classification (germline): Uncertain significance. Review status: criteria provided, multiple submitters, no conflicts (2 of 4 stars). 2 submissions from 2 submitters: Uncertain significance (2). Last evaluated 2026-04-11.

Conditions:
ATOH1-related disorder. Also called: ATOH1-related condition.

gnomAD v4.1: 117 of 1,596,076 alleles (0.0073%); highest among the groups gnomAD compares: Non-Finnish European, 0.0098%; no homozygotes.

Submissions (2):

PreventionGenetics, part of Exact Sciences
Classification: Uncertain significance for ATOH1-related condition. Last evaluated: 2026-04-11. Review status: criteria provided, single submitter. Criteria: ACMG Guidelines, 2015. Collection method: clinical testing. Allele origin: germline.
Comment: The ATOH1 c.10C>A variant is predicted to result in the amino acid substitution p.Leu4Met. To our knowledge, this variant has not been reported in the literature. This variant is reported in 0.0075% of alleles in individuals of European (Non-Finnish) descent in gnomAD. At this time, the clinical significance of this variant is uncertain due to the absence of conclusive functional and genetic evidence.

Ambry Genetics
Classification: Uncertain significance. Last evaluated: 2025-05-14. Review status: criteria provided, single submitter. Criteria: Ambry Variant Classification Scheme 2023. Collection method: clinical testing. Allele origin: germline.